The following is an entry in ClinVar:

NM_001458.5(FLNC):c.7280C>T (p.Ala2427Val)

Genes: FLNC-AS1 (FLNC antisense RNA 1; minus strand), FLNC (filamin C; plus strand). Cytogenetic location: 7q32.1.
Variant type: single nucleotide variant.
Coding change: c.7280C>T on transcript NM_001458.5 (MANE Select); coding-DNA position 7280, C replaced by T.
Protein change: p.Ala2427Val; replaces alanine 2427 with valine.
Molecular consequence: missense variant.
Genome position (GRCh38, 1-based): chr7:128,856,546, C>T. VCF-style: chr7-128856546-C-T. GRCh37 (hg19) VCF-style: chr7-128496600-C-T.
Other names: c.7181C>T, p.Ala2394Val (NM_001127487.2); short protein forms A2427V, A2394V.
Identifiers: ClinVar variation 636749 (VCV000636749.21), dbSNP rs1343869103, ClinGen allele CA369216534.
Genomic context (GRCh38, chr7:128,856,546, plus strand): 5'-AGGAGTCTGAGCATCCTCCGTGGCCTTTGCAGGAGACGGGGCTCAAGGTGAACCAGCCAG[C>T]GTCCTTTGCCGTGCAGCTGAACGGTGCCCGGGGCGTGATTGATGCCCGGGTGCACACACC-3'
Protein context (NP_001449.3, residues 2417-2437): QETGLKVNQP[Ala2427Val]SFAVQLNGAR

ClinVar aggregate classification (germline): Conflicting classifications of pathogenicity. Review status: criteria provided, conflicting classifications (1 of 4 stars). 5 submissions from 5 submitters: Uncertain significance (3); Likely benign (1). 1 of the submissions does not count toward it. Last evaluated 2025-12-10.

Conditions:
Myofibrillar myopathy 5. Also called: Filaminopathy (type); FILAMINOPATHY, AUTOSOMAL DOMINANT. Identifiers: Orphanet 171445, MedGen C1836050, MONDO:0012289, OMIM 609524.
Hypertrophic cardiomyopathy 26. Also called: Cardiomyopathy, familial hypertrophic, 26. Identifiers: Orphanet 75249, MedGen C4310749, MONDO:0014883, OMIM 617047.
Distal myopathy with posterior leg and anterior hand involvement. Also called: WILLIAMS DISTAL MYOPATHY. Identifiers: Orphanet 63273, MedGen C3279722, MONDO:0013550, OMIM 614065.
Cardiomyopathy (CMYO). Also called: Cardiomyopathies. Identifiers: Orphanet 167848, MedGen C0878544, MONDO:0004994, HP:0001638. Inheritance: Various modes of inheritance.
Cardiovascular phenotype. Identifiers: MedGen CN230736.

Allele frequency attached by ClinVar (database versions not stated): gnomAD exomes below 0.00001; gnomAD 0.00001; TOPMed 0.00001.
gnomAD v4.1: 3 of 1,612,678 alleles (0.00019%); highest among the groups gnomAD compares: Admixed American, 0.0017%; no homozygotes.

Submissions (5):

Labcorp Genetics (formerly Invitae), Labcorp
Classification: Likely benign for Distal myopathy with posterior leg and anterior hand involvement; Myofibrillar myopathy 5; Hypertrophic cardiomyopathy 26. Last evaluated: 2025-12-10. Review status: criteria provided, single submitter. Criteria: Invitae Variant Classification Sherloc (09022015). Collection method: clinical testing. Allele origin: germline.

Ambry Genetics
Classification: Uncertain significance for Cardiovascular phenotype. Last evaluated: 2025-05-02. Review status: criteria provided, single submitter. Criteria: Ambry Variant Classification Scheme 2023. Collection method: clinical testing. Allele origin: germline.
Comment: The p.A2427V variant (also known as c.7280C>T), located in coding exon 44 of the FLNC gene, results from a C to T substitution at nucleotide position 7280. The alanine at codon 2427 is replaced by valine, an amino acid with similar properties. This amino acid position is conserved. In addition, this alteration is predicted to be deleterious by in silico analysis. Since supporting evidence is limited at this time, the clinical significance of this alteration remains unclear.

GeneDx
Classification: Uncertain significance. Last evaluated: 2024-09-12. Review status: criteria provided, single submitter. Criteria: GeneDx Variant Classification Process June 2021. Collection method: clinical testing. Allele origin: germline. Affected: yes.
Comment: Has not been previously published as pathogenic or benign to our knowledge; In silico analysis supports that this missense variant has a deleterious effect on protein structure/function; In silico analysis suggests this variant may impact gene splicing. In the absence of RNA/functional studies, the actual effect of this sequence change is unknown.; Not observed at significant frequency in large population cohorts (gnomAD)

Blueprint Genetics
Classification: Uncertain significance. Last evaluated: 2018-08-14. Review status: criteria provided, single submitter. Criteria: ACMG Guidelines, 2015. Collection method: clinical testing. Allele origin: germline.

Institute of Human Genetics, University of Wuerzburg
Classification: Uncertain significance for Cardiomyopathy. Review status: no assertion criteria provided. Collection method: clinical testing. Allele origin: unknown. Affected: yes. Observed: 1 variant allele. Not counted in ClinVar's aggregate classification.